The following is an entry in ClinVar:

NM_078480.3(PUF60):c.424G>A (p.Glu142Lys)

Gene: PUF60 (poly(U) binding splicing factor 60; minus strand). Cytogenetic location: 8q24.3.
Variant type: single nucleotide variant.
Coding change: c.424G>A on transcript NM_078480.3 (MANE Select); coding-DNA position 424, G replaced by A.
Protein change: p.Glu142Lys; replaces glutamic acid 142 with lysine.
Molecular consequence: missense variant.
Genome position (GRCh38, 1-based): chr8:143,818,459, C>T on the plus strand (G>A on the coding strand, the complement: PUF60 is on the minus strand). VCF-style: chr8-143818459-C-T. GRCh37 (hg19) VCF-style: chr8-144900629-C-T.
Other names: c.295G>A, p.Glu99Lys (NM_001136033.3); c.370G>A, p.Glu124Lys (NM_001271096.2); c.286G>A, p.Glu96Lys (NM_001271097.2); c.421G>A, p.Glu141Lys (NM_001271098.2); c.337G>A, p.Glu113Lys (NM_001271099.2); c.244G>A, p.Glu82Lys (NM_001271100.2); c.535G>A, p.Glu179Lys (NM_001362895.2, NM_001362896.2); c.484G>A, p.Glu162Lys (NM_001362897.2); and 1 more; short protein forms E113K, E124K, E125K, E141K, E142K, E162K, E179K, E82K.
Identifiers: ClinVar variation 2506678 (VCV002506678.1), dbSNP rs2538865533, ClinGen allele CA372493486.

ClinVar aggregate classification (germline): Uncertain significance (1 of 4 stars; one submission).

Submission:

GeneDx
Classification: Uncertain significance. Last evaluated: 2022-12-21. Review status: criteria provided, single submitter. Criteria: GeneDx Variant Classification Process June 2021. Collection method: clinical testing. Allele origin: germline. Affected: yes.
Comment: Not observed at significant frequency in large population cohorts (gnomAD); In silico analysis supports that this missense variant has a deleterious effect on protein structure/function; Has not been previously published as pathogenic or benign to our knowledge